The following is an entry in ClinVar:

NM_006946.4(SPTBN2):c.2995C>T (p.Arg999Cys)

Gene: SPTBN2 (spectrin beta, non-erythrocytic 2; minus strand). Cytogenetic location: 11q13.2.
Variant type: single nucleotide variant.
Coding change: c.2995C>T on transcript NM_006946.4 (MANE Select); coding-DNA position 2995, C replaced by T.
Protein change: p.Arg999Cys; replaces arginine 999 with cysteine.
Molecular consequence: missense variant.
Genome position (GRCh38, 1-based): chr11:66,701,104, G>A on the plus strand (C>T on the coding strand, the complement: SPTBN2 is on the minus strand). VCF-style: chr11-66701104-G-A. GRCh37 (hg19) VCF-style: chr11-66468575-G-A.
Other names: c.2995C>T (NM_006946.2); short protein forms R999C.
Identifiers: ClinVar variation 1486486 (VCV001486486.9), dbSNP rs775043786, ClinGen allele CA6128964.

ClinVar aggregate classification (germline): Uncertain significance. Review status: criteria provided, multiple submitters, no conflicts (2 of 4 stars). 2 submissions from 2 submitters: Uncertain significance (2). Last evaluated 2025-08-11.

Conditions:
Inborn genetic diseases. Identifiers: MedGen C0950123, MeSH D030342.

Allele frequency attached by ClinVar (database versions not stated): ExAC 0.00001; gnomAD exomes 0.00001; TOPMed 0.00001.
gnomAD v4.1: 8 of 1,612,854 alleles (0.0005%); highest among the groups gnomAD compares: East Asian, 0.0022%; 1 homozygote.

Submissions (2):

Ambry Genetics
Classification: Uncertain significance for Inborn genetic diseases. Last evaluated: 2025-08-11. Review status: criteria provided, single submitter. Criteria: Ambry Variant Classification Scheme 2023. Collection method: clinical testing. Allele origin: germline.

Labcorp Genetics (formerly Invitae), Labcorp
Classification: Uncertain significance. Last evaluated: 2022-07-26. Review status: criteria provided, single submitter. Criteria: Invitae Variant Classification Sherloc (09022015). Collection method: clinical testing. Allele origin: germline.
Comment: In summary, the available evidence is currently insufficient to determine the role of this variant in disease. Therefore, it has been classified as a Variant of Uncertain Significance. Algorithms developed to predict the effect of missense changes on protein structure and function are either unavailable or do not agree on the potential impact of this missense change (SIFT: "Deleterious"; PolyPhen-2: "Benign"; Align-GVGD: "Class C65"). ClinVar contains an entry for this variant (Variation ID: 1486486). This variant has not been reported in the literature in individuals affected with SPTBN2-related conditions. This variant is present in population databases (rs775043786, gnomAD 0.007%). This sequence change replaces arginine, which is basic and polar, with cysteine, which is neutral and slightly polar, at codon 999 of the SPTBN2 protein (p.Arg999Cys).